The following is an entry in ClinVar:

ClinVar aggregate classification (germline): Benign/Likely benign. Review status: criteria provided, multiple submitters, no conflicts (2 of 4 stars). 7 submissions from 5 submitters: Benign (5); Likely benign (2). Last evaluated 2026-02-04.

Conditions:
Thrombophilia due to thrombin defect (THPH1). Also called: Thrombosis susceptibility; THROMBOPHILIA DUE TO FACTOR 2 DEFECT; Prothrombin-Related Thrombophilia (Factor II); Prothrombin Thrombophilia. Identifiers: MedGen C3160733, MONDO:0008559, OMIM 188050. Disease mechanism: gain of function, loss of function.
Congenital factor V deficiency. Also called: LABILE FACTOR DEFICIENCY; OWREN PARAHEMOPHILIA; PARAHEMOPHILIA; Hereditary factor V deficiency disease. Identifiers: Orphanet 326, MedGen C0015499, MONDO:0009210, OMIM 227400.
Budd-Chiari syndrome (BDCHS). Also called: Hepatic vein obstruction. Identifiers: Orphanet 131, MedGen C0856761, MONDO:0010947, OMIM 600880, HP:0002639.
Factor V deficiency. Also called: Reduced coagulation factor V activity. Identifiers: Orphanet 326, MedGen C4317320, MONDO:0020586, HP:0003225.

Allele frequency attached by ClinVar (database versions not stated): 1000 Genomes Project 0.01138; 1000 Genomes Project 30x 0.01156; TOPMed 0.02781; gnomAD exomes 0.03032 and 0.04360; gnomAD 0.03048 and 0.03115; ExAC 0.03056; ESP Exome Variant Server 0.03306.

Submissions (7):

Labcorp Genetics (formerly Invitae), Labcorp
Classification: Benign for Congenital factor V deficiency. Last evaluated: 2026-02-04. Review status: criteria provided, single submitter. Criteria: Invitae Variant Classification Sherloc (09022015). Collection method: clinical testing. Allele origin: germline.

Illumina Laboratory Services, Illumina
Classification: Benign for Congenital factor V deficiency. Last evaluated: 2018-01-12. Review status: criteria provided, single submitter. Criteria: ICSL Variant Classification Criteria 13 December 2019. Collection method: clinical testing. Allele origin: germline.
Comment: This variant was observed in the ICSL laboratory as part of a predisposition screen in an ostensibly healthy population. It had not been previously curated by ICSL or reported in the Human Gene Mutation Database (HGMD: prior to June 1st, 2018), and was therefore a candidate for classification through an automated scoring system. Utilizing variant allele frequency, disease prevalence and penetrance estimates, and inheritance mode, an automated score was calculated to assess if this variant is too frequent to cause the disease. Based on the score and internal cut-off values, a variant classified as benign is not then subjected to further curation. The score for this variant resulted in a classification of benign for this disease.

Illumina Laboratory Services, Illumina
Classification: Benign for Venous thrombosis. Last evaluated: 2018-01-12. Review status: criteria provided, single submitter. Criteria: ICSL Variant Classification Criteria 13 December 2019. Collection method: clinical testing. Allele origin: germline.
Comment: the same text as in the submission from Illumina Laboratory Services, Illumina above.

Illumina Laboratory Services, Illumina
Classification: Benign for Budd-Chiari syndrome. Last evaluated: 2018-01-12. Review status: criteria provided, single submitter. Criteria: ICSL Variant Classification Criteria 13 December 2019. Collection method: clinical testing. Allele origin: germline.
Comment: the same text as in the submission from Illumina Laboratory Services, Illumina above.

Laboratory for Molecular Medicine, Mass General Brigham Personalized Medicine
Classification: Likely benign. Last evaluated: 2016-03-28. Review status: criteria provided, single submitter. Criteria: LMM Criteria. Collection method: clinical testing. Allele origin: germline.
Comment: Variant identified in a genome or exome case(s) and assessed due to predicted null impact of the variant or pathogenic assertions in the literature or databases. Disclaimer: This variant has not undergone full assessment. The following are preliminary notes: Frequency

Breakthrough Genomics
Classification: Likely benign. Review status: criteria provided, single submitter. Criteria: ACMG Guidelines, 2015. Collection method: not provided. Allele origin: germline. Inheritance: Autosomal recessive inheritance. Affected: yes.

PreventionGenetics, part of Exact Sciences
Classification: Benign. Review status: criteria provided, single submitter. Criteria: ACMG Guidelines, 2015. Collection method: clinical testing. Allele origin: germline.

NM_000130.5(F5):c.6443T>C (p.Met2148Thr)

Gene: F5 (coagulation factor V; minus strand). Cytogenetic location: 1q24.2.
Variant type: single nucleotide variant.
Coding change: c.6443T>C on transcript NM_000130.5 (MANE Select); coding-DNA position 6443, T replaced by C.
Protein change: p.Met2148Thr; replaces methionine 2148 with threonine.
Molecular consequence: missense variant.
Genome position (GRCh38, 1-based): chr1:169,515,529, A>G on the plus strand (T>C on the coding strand, the complement: F5 is on the minus strand). VCF-style: chr1-169515529-A-G. GRCh37 (hg19) VCF-style: chr1-169484767-A-G.
Other names: short protein forms M2148T.
Identifiers: ClinVar variation 255214 (VCV000255214.14), dbSNP rs9332701, ClinGen allele CA1233229.